The following is an entry in ClinVar:

NM_006790.3(MYOT):c.119T>C (p.Ile40Thr)

Genes: MYOT (myotilin; plus strand), PKD2L2-DT (PKD2L2 divergent transcript; minus strand). Cytogenetic location: 5q31.2.
Variant type: single nucleotide variant.
Coding change: c.119T>C on transcript NM_006790.3 (MANE Select); coding-DNA position 119, T replaced by C.
Protein change: p.Ile40Thr; replaces isoleucine 40 with threonine.
Molecular consequence: missense variant. On other transcripts: intron variant (2).
Genome position (GRCh38, 1-based): chr5:137,870,770, T>C. VCF-style: chr5-137870770-T-C. GRCh37 (hg19) VCF-style: chr5-137206459-T-C.
Other names: c.-120-107T>C (NM_001300911.2); c.-197+245T>C (NM_001135940.2); short protein forms I40T.
Identifiers: ClinVar variation 3877230 (VCV003877230.2).

ClinVar aggregate classification (germline): Uncertain significance. Review status: criteria provided, multiple submitters, no conflicts (2 of 4 stars). 2 submissions from 2 submitters: Uncertain significance (2). Last evaluated 2026-04-15.

Conditions:
MYOT-related disorder. Also called: MYOT-related condition.
Inborn genetic diseases. Identifiers: MedGen C0950123, MeSH D030342.

gnomAD v4.1: 5 of 1,614,074 alleles (0.00031%); highest among the groups gnomAD compares: East Asian, 0.0022%; no homozygotes.

Submissions (2):

PreventionGenetics, part of Exact Sciences
Classification: Uncertain significance for MYOT-related condition. Last evaluated: 2026-04-15. Review status: criteria provided, single submitter. Criteria: ACMG Guidelines, 2015. Collection method: clinical testing. Allele origin: germline.
Comment: The MYOT c.119T>C variant is predicted to result in the amino acid substitution p.Ile40Thr. To our knowledge, this variant has not been reported in the literature. This variant is reported in 0.0018% of alleles in individuals of European (Non-Finnish) descent in gnomAD. At this time, the clinical significance of this variant is uncertain due to the absence of conclusive functional and genetic evidence.

Ambry Genetics
Classification: Uncertain significance for Inborn genetic diseases. Last evaluated: 2025-02-10. Review status: criteria provided, single submitter. Criteria: Ambry Variant Classification Scheme 2023. Collection method: clinical testing. Allele origin: germline.